The following is an entry in ClinVar:

ClinVar aggregate classification (germline): Pathogenic (1 of 4 stars; one submission).

Submission:

Labcorp Genetics (formerly Invitae), Labcorp
Classification: Pathogenic. Last evaluated: 2025-03-19. Review status: criteria provided, single submitter. Criteria: Invitae Variant Classification Sherloc (09022015). Collection method: clinical testing. Allele origin: germline.
Comment: This sequence change creates a premature translational stop signal (p.Tyr1213*) in the INPPL1 gene. It is expected to result in an absent or disrupted protein product. Loss-of-function variants in INPPL1 are known to be pathogenic (PMID: 23273567, 23273569). This variant is present in population databases (no rsID available, gnomAD no frequency). This variant has not been reported in the literature in individuals affected with INPPL1-related conditions. Algorithms developed to predict the effect of sequence changes on RNA splicing suggest that this variant may disrupt the consensus splice site. For these reasons, this variant has been classified as Pathogenic.

Literature cited by the submitters: PubMed 23273567; PubMed 23273569.

NM_001567.4(INPPL1):c.3638_3639del (p.Arg1212_Tyr1213insTer)

Gene: INPPL1 (inositol polyphosphate phosphatase like 1; plus strand). Cytogenetic location: 11q13.4.
Variant type: Deletion.
Coding change: c.3638_3639del on transcript NM_001567.4 (MANE Select); coding-DNA positions 3638 to 3639, 2 bases deleted (AT; older notation c.3638_3639delAT).
Protein change: p.Arg1212_Tyr1213insTer.
Molecular consequence: nonsense. On other transcripts: intron variant (1).
Genome position (GRCh38, 1-based): chr11:72,238,127-72,238,128, AT deleted; deleting any 2 consecutive bases within chr11:72,238,126-72,238,128 gives the same sequence; the c. name uses the placement nearest the transcript's 3' end. VCF-style (leftmost placement, unchanged base first): chr11-72238125-CTA-C. GRCh37 (hg19) VCF-style: chr11-71949169-CTA-C.
Other names: c.3704_3705del, p.Arg1234_Tyr1235insTer (NM_001440434.1); c.3638_3639del, p.Arg1212_Tyr1213insTer (NM_001440435.1, NM_001440436.1); c.3497_3498del, p.Arg1165_Tyr1166insTer (NM_001440437.1); c.3553-136_3553-135del (NM_001440438.1).
Identifiers: ClinVar variation 4811265 (VCV004811265.1).